The following is an entry in ClinVar:

ClinVar aggregate classification (germline): Uncertain significance (1 of 4 stars; one submission).

Allele frequency attached by ClinVar (database versions not stated): TOPMed below 0.00001.

Submission:

Labcorp Genetics (formerly Invitae), Labcorp
Classification: Uncertain significance. Last evaluated: 2024-10-21. Review status: criteria provided, single submitter. Criteria: Invitae Variant Classification Sherloc (09022015). Collection method: clinical testing. Allele origin: germline.
Comment: This sequence change replaces alanine, which is neutral and non-polar, with valine, which is neutral and non-polar, at codon 157 of the LRP5 protein (p.Ala157Val). This variant is not present in population databases (gnomAD no frequency). This variant has not been reported in the literature in individuals affected with LRP5-related conditions. ClinVar contains an entry for this variant (Variation ID: 2006172). Invitae Evidence Modeling of protein sequence and biophysical properties (such as structural, functional, and spatial information, amino acid conservation, physicochemical variation, residue mobility, and thermodynamic stability) has been performed for this missense variant. However, the output from this modeling did not meet the statistical confidence thresholds required to predict the impact of this variant on LRP5 protein function. In summary, the available evidence is currently insufficient to determine the role of this variant in disease. Therefore, it has been classified as a Variant of Uncertain Significance.

NM_002335.4(LRP5):c.470C>T (p.Ala157Val)

Gene: LRP5 (LDL receptor related protein 5; plus strand). Cytogenetic location: 11q13.2.
Variant type: single nucleotide variant.
Coding change: c.470C>T on transcript NM_002335.4 (MANE Select); coding-DNA position 470, C replaced by T.
Protein change: p.Ala157Val; replaces alanine 157 with valine.
Molecular consequence: missense variant. On other transcripts: 5 prime UTR variant (1).
Genome position (GRCh38, 1-based): chr11:68,348,225, C>T. VCF-style: chr11-68348225-C-T. GRCh37 (hg19) VCF-style: chr11-68115693-C-T.
Other names: c.-1296C>T (NM_001291902.2); short protein forms A157V.
Identifiers: ClinVar variation 2006172 (VCV002006172.4), dbSNP rs1320276745, ClinGen allele CA381610846.